The following is an entry in ClinVar:

NM_020964.3(EPG5):c.1389+2T>G

Genes: EPG5 (ectopic P-granules 5 autophagy tethering factor; minus strand), LOC126862737 (P300/CBP strongly-dependent group 1 enhancer GRCh37_chr18:43530707-43531906; plus strand). Cytogenetic location: 18q21.1.
Variant type: single nucleotide variant.
Coding change: c.1389+2T>G on transcript NM_020964.3 (MANE Select); the canonical splice donor site of the intron after coding-DNA position 1389, T replaced by G.
Molecular consequence: splice donor variant.
Genome position (GRCh38, 1-based): chr18:45,951,100, A>C on the plus strand (T>G on the coding strand, the complement: EPG5 is on the minus strand). VCF-style: chr18-45951100-A-C. GRCh37 (hg19) VCF-style: chr18-43531066-A-C.
Other names: c.1389+2T>G (NM_001410858.1, NM_001410859.1).
Identifiers: ClinVar variation 2856568 (VCV002856568.3), dbSNP rs2512090754, ClinGen allele CA402349479.
Genomic context (GRCh38, chr18:45,951,100, plus strand): 5'-ATAATTCCTAAATTATGAAAGAAATAAAACAAAGACTACTGTGTCTATCTCTGTCCCCTT[A>C]CCAATTTCTGCAGCCAGAGAAGAATATCATCATGAAACTGAGTATCTTCATTAACTCTCC-3'

ClinVar aggregate classification (germline): Likely pathogenic (1 of 4 stars; one submission).

Conditions:
Vici syndrome (VICIS). Identifiers: Orphanet 1493, MedGen C1855772, MONDO:0009452, OMIM 242840.

Submission:

Labcorp Genetics (formerly Invitae), Labcorp
Classification: Likely pathogenic for Vici syndrome. Last evaluated: 2023-04-15. Review status: criteria provided, single submitter. Criteria: Invitae Variant Classification Sherloc (09022015). Collection method: clinical testing. Allele origin: germline.
Comment: Algorithms developed to predict the effect of sequence changes on RNA splicing suggest that this variant may disrupt the consensus splice site. This sequence change affects a donor splice site in intron 4 of the EPG5 gene. It is expected to disrupt RNA splicing. Variants that disrupt the donor or acceptor splice site typically lead to a loss of protein function (PMID: 16199547), and loss-of-function variants in EPG5 are known to be pathogenic (PMID: 23222957, 23674064). This variant is not present in population databases (gnomAD no frequency). This variant has not been reported in the literature in individuals affected with EPG5-related conditions. In summary, the currently available evidence indicates that the variant is pathogenic, but additional data are needed to prove that conclusively. Therefore, this variant has been classified as Likely Pathogenic.

Literature cited by the submitters: PubMed 16199547; PubMed 23222957; PubMed 23674064.